The following is an entry in ClinVar:

NM_006440.5(TXNRD2):c.776A>G (p.Gln259Arg)

Gene: TXNRD2 (thioredoxin reductase 2; minus strand). Cytogenetic location: 22q11.21.
Variant type: single nucleotide variant.
Coding change: c.776A>G on transcript NM_006440.5 (MANE Select); coding-DNA position 776, A replaced by G.
Protein change: p.Gln259Arg; replaces glutamine 259 with arginine.
Molecular consequence: missense variant. On other transcripts: non-coding transcript variant (1).
Genome position (GRCh38, 1-based): chr22:19,895,580, T>C on the plus strand (A>G on the coding strand, the complement: TXNRD2 is on the minus strand). VCF-style: chr22-19895580-T-C. GRCh37 (hg19) VCF-style: chr22-19883103-T-C.
Other names: c.776A>G, p.Gln259Arg (NM_001282512.3); c.773A>G, p.Gln258Arg (NM_001352300.2); c.686A>G, p.Gln229Arg (NM_001352301.2); c.488A>G, p.Gln163Arg (NM_001352302.2); c.680A>G, p.Gln227Arg (NM_001352303.2); short protein forms Q227R, Q163R, Q259R, Q229R, Q258R.
Identifiers: ClinVar variation 4194428 (VCV004194428.1).

ClinVar aggregate classification (germline): Uncertain significance (1 of 4 stars; one submission).

Conditions:
Cardiovascular phenotype. Identifiers: MedGen CN230736.

Submission:

Ambry Genetics
Classification: Uncertain significance for Cardiovascular phenotype. Last evaluated: 2025-06-20. Review status: criteria provided, single submitter. Criteria: Ambry Variant Classification Scheme 2023. Collection method: clinical testing. Allele origin: germline.
Comment: The p.Q259R variant (also known as c.776A>G), located in coding exon 11 of the TXNRD2 gene, results from an A to G substitution at nucleotide position 776. The glutamine at codon 259 is replaced by arginine, an amino acid with highly similar properties. This amino acid position is conserved. In addition, the in silico prediction for this alteration is inconclusive. Based on the available evidence, the clinical significance of this variant remains unclear.